The following is an entry in ClinVar:

ClinVar aggregate classification (germline): Likely benign (1 of 4 stars; one submission).

Conditions:
SSTR5-related disorder. Also called: SSTR5-related condition.

Submission:

PreventionGenetics, part of Exact Sciences
Classification: Likely benign for SSTR5-related condition. Last evaluated: 2024-10-24. Review status: criteria provided, single submitter. Criteria: ACMG Guidelines, 2015. Collection method: clinical testing. Allele origin: germline.
Comment: This variant is classified as likely benign based on ACMG/AMP sequence variant interpretation guidelines (Richards et al. 2015 PMID: 25741868, with internal and published modifications).

NM_001172560.3(SSTR5):c.-9G>T

Gene: SSTR5 (somatostatin receptor 5; plus strand). Cytogenetic location: 16p13.3.
Variant type: single nucleotide variant.
Coding change: c.-9G>T on transcript NM_001172560.3 (MANE Select); 9 bases upstream of the start codon, G replaced by T.
Molecular consequence: 5 prime UTR variant.
Genome position (GRCh38, 1-based): chr16:1,078,860, G>T. VCF-style: chr16-1078860-G-T. GRCh37 (hg19) VCF-style: chr16-1128860-G-T.
Other names: c.-9G>T (NM_001053.4).
Identifiers: ClinVar variation 4990378 (VCV004990378.1).
Genomic context (GRCh38, chr16:1,078,860, plus strand): 5'-CAGGGACTCACCACCCTGGCGTCCTCCCTTCTTCTCTTGCAGAGCCTGACGCACCCCAGG[G>T]CTGCCGCCATGGAGCCCCTGTTCCCAGCCTCCACGCCCAGCTGGAACGCCTCCTCCCCGG-3'